The following is an entry in ClinVar:

NM_001378452.1(ITPR1):c.5364C>T (p.Ser1788=)

Gene: ITPR1 (inositol 1,4,5-trisphosphate receptor type 1; plus strand). Cytogenetic location: 3p26.1.
Variant type: single nucleotide variant.
Coding change: c.5364C>T on transcript NM_001378452.1 (MANE Select); coding-DNA position 5364, C replaced by T.
Protein change: p.Ser1788=; no amino-acid change (serine 1788 retained).
Molecular consequence: synonymous variant.
Genome position (GRCh38, 1-based): chr3:4,735,174, C>T. VCF-style: chr3-4735174-C-T. GRCh37 (hg19) VCF-style: chr3-4776858-C-T.
Other names: c.5220C>T, p.Ser1740= (NM_001099952.4); c.5319C>T, p.Ser1773= (NM_001168272.2); c.5175C>T, p.Ser1725= (NM_002222.7); c.5319C>T (NM_001168272.1).
Identifiers: ClinVar variation 1191694 (VCV001191694.35), dbSNP rs769349793, ClinGen allele CA2232324.

ClinVar aggregate classification (germline): Likely benign. Review status: criteria provided, multiple submitters, no conflicts (2 of 4 stars). 4 submissions from 4 submitters: Likely benign (4). Last evaluated 2025-07-30.

Allele frequency attached by ClinVar (database versions not stated): gnomAD 0.00001; gnomAD exomes 0.00001 and 0.00002; TOPMed 0.00001; ExAC 0.00002.
gnomAD v4.1: 35 of 1,612,384 alleles (0.0022%); highest among the groups gnomAD compares: South Asian, 0.0033%; no homozygotes.

Submissions (4):

Labcorp Genetics (formerly Invitae), Labcorp
Classification: Likely benign. Last evaluated: 2025-07-30. Review status: criteria provided, single submitter. Criteria: Invitae Variant Classification Sherloc (09022015). Collection method: clinical testing. Allele origin: germline.

Athena Diagnostics
Classification: Likely benign. Last evaluated: 2023-12-07. Review status: criteria provided, single submitter. Criteria: Athena Diagnostics Criteria. Collection method: clinical testing. Allele origin: unknown.

CeGaT Center for Human Genetics Tuebingen
Classification: Likely benign. Last evaluated: 2023-08-01. Review status: criteria provided, single submitter. Criteria: CeGaT Center For Human Genetics Tuebingen Variant Classification Criteria Version 2. Collection method: clinical testing. Allele origin: germline. Affected: yes. Observed: 1 variant allele.
Comment: ITPR1: BP4, BP7

GeneDx
Classification: Likely benign. Last evaluated: 2020-07-06. Review status: criteria provided, single submitter. Criteria: GeneDx Variant Classification Process June 2021. Collection method: clinical testing. Allele origin: germline. Affected: yes.